The following is an entry in ClinVar:

NM_017807.4(OSGEP):c.870-2A>G

Gene: OSGEP (O-sialoglycoprotein endopeptidase; minus strand). Cytogenetic location: 14q11.2.
Variant type: single nucleotide variant.
Coding change: c.870-2A>G on transcript NM_017807.4 (MANE Select); the canonical splice acceptor site of the intron before coding-DNA position 870, A replaced by G.
Molecular consequence: splice acceptor variant.
Genome position (GRCh38, 1-based): chr14:20,447,522, T>C on the plus strand (A>G on the coding strand, the complement: OSGEP is on the minus strand). VCF-style: chr14-20447522-T-C. GRCh37 (hg19) VCF-style: chr14-20915681-T-C.
Identifiers: ClinVar variation 4803443 (VCV004803443.1).

ClinVar aggregate classification (germline): Likely pathogenic (1 of 4 stars; one submission).

Submission:

Labcorp Genetics (formerly Invitae), Labcorp
Classification: Likely pathogenic. Last evaluated: 2025-06-04. Review status: criteria provided, single submitter. Criteria: Invitae Variant Classification Sherloc (09022015). Collection method: clinical testing. Allele origin: germline.
Comment: This sequence change affects an acceptor splice site in intron 9 of the OSGEP gene. It is expected to disrupt RNA splicing. Variants that disrupt the donor or acceptor splice site typically lead to a loss of protein function (PMID: 16199547), and loss-of-function variants in OSGEP are known to be pathogenic (PMID: 28805828, 34666032). This variant is not present in population databases (gnomAD no frequency). This variant has not been reported in the literature in individuals affected with OSGEP-related conditions. Algorithms developed to predict the effect of sequence changes on RNA splicing suggest that this variant may disrupt the consensus splice site. In summary, the currently available evidence indicates that the variant is pathogenic, but additional data are needed to prove that conclusively. Therefore, this variant has been classified as Likely Pathogenic.

Literature cited by the submitters: PubMed 16199547; PubMed 28805828; PubMed 34666032.